The following is an entry in ClinVar:

NM_139076.3(ABRAXAS1):c.580G>T (p.Ala194Ser)

Gene: ABRAXAS1 (abraxas 1, BRCA1 A complex subunit; minus strand). Cytogenetic location: 4q21.23.
Variant type: single nucleotide variant.
Coding change: c.580G>T on transcript NM_139076.3 (MANE Select); coding-DNA position 580, G replaced by T.
Protein change: p.Ala194Ser; replaces alanine 194 with serine.
Molecular consequence: missense variant.
Genome position (GRCh38, 1-based): chr4:83,469,048, C>A on the plus strand (G>T on the coding strand, the complement: ABRAXAS1 is on the minus strand). VCF-style: chr4-83469048-C-A. GRCh37 (hg19) VCF-style: chr4-84390201-C-A.
Other names: c.253G>T, p.Ala85Ser (NM_001345962.2); short protein forms A194S, A85S.
Identifiers: ClinVar variation 658091 (VCV000658091.10), dbSNP rs1020540603, ClinGen allele CA100683881.
Genomic context (GRCh38, chr4:83,469,048, plus strand): 5'-TCAAAGATGAATAGAAGTTTTGTGAGAAAGCAGTTGAATCTTACCTGTGTGTTTGTACTG[C>A]TCGGCTAAAACCAGTGGACATACAGGAACCTGATACAGTTTTATAACCCAGTTGTTCAGA-3'
Protein context (NP_620775.2, residues 184-204): GSCMSTGFSR[Ala194Ser]VQTHSSKFFE

ClinVar aggregate classification (germline): Uncertain significance. Review status: criteria provided, multiple submitters, no conflicts (2 of 4 stars). 3 submissions from 3 submitters: Uncertain significance (3). Last evaluated 2025-03-17.

Allele frequency attached by ClinVar (database versions not stated): gnomAD exomes 0.00002 and 0.00003; TOPMed 0.00002; gnomAD 0.00003 and 0.00004.
gnomAD v4.1: 41 of 1,612,930 alleles (0.0025%); highest among the groups gnomAD compares: Non-Finnish European, 0.0035%; no homozygotes.

Submissions (3):

Labcorp Genetics (formerly Invitae), Labcorp
Classification: Uncertain significance. Last evaluated: 2025-03-17. Review status: criteria provided, single submitter. Criteria: Invitae Variant Classification Sherloc (09022015). Collection method: clinical testing. Allele origin: germline.
Comment: This sequence change replaces alanine, which is neutral and non-polar, with serine, which is neutral and polar, at codon 194 of the ABRAXAS1 protein (p.Ala194Ser). This variant is present in population databases (no rsID available, gnomAD 0.006%). This variant has not been reported in the literature in individuals affected with ABRAXAS1-related conditions. ClinVar contains an entry for this variant (Variation ID: 658091). Invitae Evidence Modeling of protein sequence and biophysical properties (such as structural, functional, and spatial information, amino acid conservation, physicochemical variation, residue mobility, and thermodynamic stability) indicates that this missense variant is not expected to disrupt ABRAXAS1 protein function with a negative predictive value of 80%. In summary, the available evidence is currently insufficient to determine the role of this variant in disease. Therefore, it has been classified as a Variant of Uncertain Significance.

Ambry Genetics
Classification: Uncertain significance. Last evaluated: 2024-08-20. Review status: criteria provided, single submitter. Criteria: Ambry Variant Classification Scheme 2023. Collection method: clinical testing. Allele origin: germline.

Women's Health and Genetics/Laboratory Corporation of America, LabCorp
Classification: Uncertain significance. Last evaluated: 2021-09-29. Review status: criteria provided, single submitter. Criteria: LabCorp Variant Classification Summary - May 2015. Collection method: clinical testing. Allele origin: germline.